The following is an entry in ClinVar:

ClinVar aggregate classification (germline): Conflicting classifications of pathogenicity. Review status: criteria provided, conflicting classifications (1 of 4 stars). 2 submissions from 2 submitters: Uncertain significance (1); Likely benign (1). Last evaluated 2025-10-31.

Conditions:
Cardiovascular phenotype. Identifiers: MedGen CN230736.
Familial hypobetalipoproteinemia 1. Also called: Hypobetalipoproteinemia, normotriglyceridemic; Acanthocytosis with hypobetalipoproteinemia; APOB-Related Familial Hypobetalipoproteinemia. Identifiers: MedGen C4551990, MONDO:0014252, OMIM 615558.
Hypercholesterolemia, autosomal dominant, type B (FHCL2). Also called: Familial Hypercholesterolemia Type B; HYPERCHOLESTEROLEMIA, FAMILIAL, DUE TO LIGAND-DEFECTIVE APOLIPOPROTEIN B; Familial hypercholesterolemia 2; APOB-Related Familial Hypercholesterolemia, Autosomal Dominant; APOLIPOPROTEIN B-100, FAMILIAL DEFECTIVE; APOLIPOPROTEIN B-100, FAMILIAL LIGAND-DEFECTIVE. Identifiers: MedGen C1704417, MONDO:0007751, OMIM 144010.

Allele frequency attached by ClinVar (database versions not stated): ExAC 0.00001; gnomAD exomes 0.00001.
gnomAD v4.1: 12 of 1,613,678 alleles (0.00074%); highest among the groups gnomAD compares: Admixed American, 0.0017%; no homozygotes.

Submissions (2):

Labcorp Genetics (formerly Invitae), Labcorp
Classification: Likely benign for Familial hypobetalipoproteinemia 1; Hypercholesterolemia, autosomal dominant, type B. Last evaluated: 2025-10-31. Review status: criteria provided, single submitter. Criteria: Invitae Variant Classification Sherloc (09022015). Collection method: clinical testing. Allele origin: germline.

Ambry Genetics
Classification: Uncertain significance for Cardiovascular phenotype. Last evaluated: 2021-12-13. Review status: criteria provided, single submitter. Criteria: Ambry Variant Classification Scheme 2023. Collection method: clinical testing. Allele origin: germline.
Comment: The p.H4183R variant (also known as c.12548A>G), located in coding exon 29 of the APOB gene, results from an A to G substitution at nucleotide position 12548. The histidine at codon 4183 is replaced by arginine, an amino acid with highly similar properties. This amino acid position is conserved. In addition, this alteration is predicted to be tolerated by in silico analysis. Since supporting evidence is limited at this time, the clinical significance of this alteration remains unclear.

NM_000384.3(APOB):c.12548A>G (p.His4183Arg)

Gene: APOB (apolipoprotein B; minus strand). Cytogenetic location: 2p24.1.
Variant type: single nucleotide variant.
Coding change: c.12548A>G on transcript NM_000384.3 (MANE Select); coding-DNA position 12548, A replaced by G.
Protein change: p.His4183Arg; replaces histidine 4183 with arginine.
Molecular consequence: missense variant.
Genome position (GRCh38, 1-based): chr2:21,002,874, T>C on the plus strand (A>G on the coding strand, the complement: APOB is on the minus strand). VCF-style: chr2-21002874-T-C. GRCh37 (hg19) VCF-style: chr2-21225746-T-C.
Other names: short protein forms H4183R.
Identifiers: ClinVar variation 925122 (VCV000925122.6), dbSNP rs758266841, ClinGen allele CA050535.